The following is an entry in ClinVar:

ClinVar aggregate classification (germline): Uncertain significance (1 of 4 stars; one submission).

Conditions:
Joubert syndrome. Also called: CEREBELLOPARENCHYMAL DISORDER IV; JOUBERT-BOLTSHAUSER SYNDROME; Familial aplasia of the vermis. Identifiers: Orphanet 475, MedGen C5979921, MONDO:0018772.
Nephronophthisis. Also called: Juvenile Nephronophthisis. Identifiers: Orphanet 655, MedGen C0687120, MONDO:0019005, HP:0000090.
Meckel-Gruber syndrome. Also called: DYSENCEPHALIA SPLANCHNOCYSTICA; GRUBER SYNDROME; Dysencephalia splachnocystica. Identifiers: Orphanet 564, MedGen C0265215, MONDO:0018921.

gnomAD v4.1: 4 of 1,591,772 alleles (0.00025%); highest among the groups gnomAD compares: Non-Finnish European, 0.00034%; no homozygotes.

Submission:

Labcorp Genetics (formerly Invitae), Labcorp
Classification: Uncertain significance for Joubert syndrome; Meckel-Gruber syndrome; Nephronophthisis. Last evaluated: 2022-04-29. Review status: criteria provided, single submitter. Criteria: Invitae Variant Classification Sherloc (09022015). Collection method: clinical testing. Allele origin: germline.
Comment: This sequence change replaces glutamic acid, which is acidic and polar, with aspartic acid, which is acidic and polar, at codon 548 of the CEP290 protein (p.Glu548Asp). This variant is present in population databases (no rsID available, gnomAD 0.001%). This variant has not been reported in the literature in individuals affected with CEP290-related conditions. Algorithms developed to predict the effect of missense changes on protein structure and function are either unavailable or do not agree on the potential impact of this missense change (SIFT: "Deleterious"; PolyPhen-2: "Probably Damaging"; Align-GVGD: "Class C0"). In summary, the available evidence is currently insufficient to determine the role of this variant in disease. Therefore, it has been classified as a Variant of Uncertain Significance.

NM_025114.4(CEP290):c.1644A>C (p.Glu548Asp)

Gene: CEP290 (centrosomal protein 290; minus strand). Cytogenetic location: 12q21.32.
Variant type: single nucleotide variant.
Coding change: c.1644A>C on transcript NM_025114.4 (MANE Select); coding-DNA position 1644, A replaced by C.
Protein change: p.Glu548Asp; replaces glutamic acid 548 with aspartic acid.
Molecular consequence: missense variant.
Genome position (GRCh38, 1-based): chr12:88,118,550, T>G on the plus strand (A>C on the coding strand, the complement: CEP290 is on the minus strand). VCF-style: chr12-88118550-T-G. GRCh37 (hg19) VCF-style: chr12-88512327-T-G.
Other names: short protein forms E548D.
Identifiers: ClinVar variation 2417409 (VCV002417409.5), dbSNP rs763632792, ClinGen allele CA385978994.